The following is an entry in ClinVar:

NC_000011.9:g.(?_31824326)_(31832375_?)del

Gene: PAX6 (paired box 6; minus strand). Cytogenetic location: 11p13.
Variant type: Deletion.
Identifiers: ClinVar variation 1452288 (VCV001452288.5).

ClinVar aggregate classification (germline): Pathogenic (1 of 4 stars; one submission).

Conditions:
Aniridia 1 (AN1). Identifiers: Orphanet 250923, MedGen C0344542, MONDO:0024507, OMIM 106210.
Irido-corneo-trabecular dysgenesis (ASGD5). Also called: ANTERIOR SEGMENT DYSGENESIS 5. Identifiers: Orphanet 708, MedGen C0344559, MONDO:0011414, OMIM 604229, HP:0000659.

Submission:

Labcorp Genetics (formerly Invitae), Labcorp
Classification: Pathogenic for Aniridia 1; Irido-corneo-trabecular dysgenesis. Last evaluated: 2022-08-09. Review status: criteria provided, single submitter. Criteria: Invitae Variant Classification Sherloc (09022015). Collection method: clinical testing. Allele origin: germline.
Comment: This variant is a complex rearrangement involving exon(s) 3-4 and part of exon 5 of the PAX6 gene, which includes the initiator codon. Although the exact nature of the event is unknown, it likely involves a partial deletion of these exons. It is expected to result in an absent or disrupted protein product. Loss-of-function variants in PAX6 are known to be pathogenic (PMID: 12634864). For these reasons, this variant has been classified as Pathogenic. This variant has not been reported in the literature in individuals affected with PAX6-related conditions.

Literature cited by the submitters: PubMed 12634864.